The following is an entry in ClinVar:

ClinVar aggregate classification (germline): Pathogenic. Review status: criteria provided, multiple submitters, no conflicts (2 of 4 stars). 2 submissions from 2 submitters: Pathogenic (2). Last evaluated 2025-06-20.

Submissions (2):

GeneDx
Classification: Pathogenic. Last evaluated: 2025-06-20. Review status: criteria provided, single submitter. Criteria: GeneDx Variant Classification Process June 2021. Collection method: clinical testing. Allele origin: germline. Affected: yes.
Comment: Has not been previously published as pathogenic or benign to our knowledge; Frameshift variant predicted to result in protein truncation or nonsense mediated decay in a gene for which loss of function is a known mechanism of disease; Not observed at significant frequency in large population cohorts (gnomAD)

Labcorp Genetics (formerly Invitae), Labcorp
Classification: Pathogenic. Last evaluated: 2023-02-07. Review status: criteria provided, single submitter. Criteria: Invitae Variant Classification Sherloc (09022015). Collection method: clinical testing. Allele origin: germline.
Comment: This sequence change creates a premature translational stop signal (p.Pro1225Leufs*26) in the COL17A1 gene. It is expected to result in an absent or disrupted protein product. Loss-of-function variants in COL17A1 are known to be pathogenic (PMID: 16473856, 17344927, 20301304, 21357940, 24319098). This variant is present in population databases (rs755244997, gnomAD 0.006%). This variant has not been reported in the literature in individuals affected with COL17A1-related conditions. For these reasons, this variant has been classified as Pathogenic.

Literature cited by the submitters: PubMed 16473856 (cited by Labcorp Genetics (formerly Invitae), Labcorp); PubMed 17344927 (cited by Labcorp Genetics (formerly Invitae), Labcorp); PubMed 20301304 (cited by Labcorp Genetics (formerly Invitae), Labcorp); PubMed 21357940 (cited by Labcorp Genetics (formerly Invitae), Labcorp); PubMed 24319098 (cited by Labcorp Genetics (formerly Invitae), Labcorp).

NM_000494.4(COL17A1):c.3672del (p.Pro1225fs)

Gene: COL17A1 (collagen type XVII alpha 1 chain; minus strand). Cytogenetic location: 10q25.1.
Variant type: Deletion.
Coding change: c.3672del on transcript NM_000494.4 (MANE Select); coding-DNA position 3672, one base deleted (G; older notation c.3672delG).
Protein change: p.Pro1225fs; shifts the reading frame from proline 1225.
Molecular consequence: frameshift variant.
Genome position (GRCh38, 1-based): chr10:104,034,715, C deleted on the plus strand (G on the coding strand, the reverse complement: COL17A1 is on the minus strand); the first of 3 consecutive C bases (chr10:104,034,715-104,034,717); deleting any one gives the same sequence. VCF-style (leftmost placement, unchanged base first): chr10-104034714-GC-G. GRCh37 (hg19) VCF-style: chr10-105794472-GC-G.
Other names: c.3672del (NM_000494.3); short protein forms P1225fs.
Identifiers: ClinVar variation 2835155 (VCV002835155.4), dbSNP rs755244997, ClinGen allele CA5677864.